The following is an entry in ClinVar:

ClinVar aggregate classification (germline): Uncertain significance (1 of 4 stars; one submission).

Submission:

GeneDx
Classification: Uncertain significance. Last evaluated: 2025-05-02. Review status: criteria provided, single submitter. Criteria: GeneDx Variant Classification Process June 2021. Collection method: clinical testing. Allele origin: germline. Affected: yes.
Comment: Not observed at significant frequency in large population cohorts (gnomAD); In silico analysis suggests that this missense variant does not alter protein structure/function; Has not been previously published as pathogenic or benign to our knowledge

NM_020928.2(ZSWIM6):c.2398T>C (p.Ser800Pro)

Gene: ZSWIM6 (zinc finger SWIM-type containing 6; plus strand). Cytogenetic location: 5q12.1.
Variant type: single nucleotide variant.
Coding change: c.2398T>C on transcript NM_020928.2 (MANE Select); coding-DNA position 2398, T replaced by C.
Protein change: p.Ser800Pro; replaces serine 800 with proline.
Molecular consequence: missense variant.
Genome position (GRCh38, 1-based): chr5:61,538,830, T>C. VCF-style: chr5-61538830-T-C. GRCh37 (hg19) VCF-style: chr5-60834657-T-C.
Other names: short protein forms S800P.
Identifiers: ClinVar variation 4527851 (VCV004527851.1).